The following is an entry in ClinVar:

ClinVar aggregate classification (germline): Uncertain significance (1 of 4 stars; one submission).

Submission:

GeneDx
Classification: Uncertain significance. Last evaluated: 2025-04-18. Review status: criteria provided, single submitter. Criteria: GeneDx Variant Classification Process June 2021. Collection method: clinical testing. Allele origin: germline. Affected: yes.
Comment: Not observed at significant frequency in large population cohorts (gnomAD); In silico analysis supports that this missense variant has a deleterious effect on protein structure/function; Has not been previously published as pathogenic or benign to our knowledge

NM_000451.4(SHOX):c.705C>G (p.His235Gln)

Gene: SHOX (SHOX homeobox; plus strand). Cytogenetic location: Xp22.33.
Variant type: single nucleotide variant.
Coding change: c.705C>G on transcript NM_000451.4 (MANE Select); coding-DNA position 705, C replaced by G.
Protein change: p.His235Gln; replaces histidine 235 with glutamine.
Molecular consequence: missense variant. On other transcripts: intron variant (1).
Genome position (GRCh38, 1-based): chrX:644,462, C>G. VCF-style: chrX-644462-C-G. GRCh37 (hg19) VCF-style: chrX-605197-C-G.
Other names: c.633+3375C>G (NM_006883.2); short protein forms H235Q.
Identifiers: ClinVar variation 4281983 (VCV004281983.1).